The following is an entry in ClinVar:

NM_004006.3(DMD):c.31+7A>C

Gene: DMD (dystrophin; minus strand). Cytogenetic location: Xp21.1.
Variant type: single nucleotide variant.
Coding change: c.31+7A>C on transcript NM_004006.3 (MANE Select); 7 bases into the intron after coding-DNA position 31, A replaced by C.
Molecular consequence: intron variant.
Genome position (GRCh38, 1-based): chrX:33,211,275, T>G on the plus strand (A>C on the coding strand, the complement: DMD is on the minus strand). VCF-style: chrX-33211275-T-G. GRCh37 (hg19) VCF-style: chrX-33229392-T-G.
Other names: c.7+127984A>C (NM_000109.4).
Identifiers: ClinVar variation 4854785 (VCV004854785.1).
Genomic context (GRCh38, chrX:33,211,275, plus strand): 5'-TAGTGAGCTTGTCACAAACTAAACGTTATGCCACAGTAAAATATATTTTTAGTTACTTTG[T>G]ACTTACAACAGTCCTCTACTTCTTCCCACCAAAGCATTTTGAAAAGTGTATATCAAGGCA-3'

ClinVar aggregate classification (germline): Uncertain significance (1 of 4 stars; one submission).

Conditions:
Dilated cardiomyopathy 3B (CMD3B). Also called: CMD3B: DMD-Related Dilated Cardiomyopathy; CARDIOMYOPATHY, DILATED, X-LINKED; DMD-Associated Dilated Cardiomyopathy. Identifiers: Orphanet 154, MedGen C3668940, MONDO:0010542, OMIM 302045.

Submission:

3billion
Classification: Uncertain significance for Dilated cardiomyopathy 3B. Last evaluated: 2025-09-30. Review status: criteria provided, single submitter. Criteria: ACMG Guidelines, 2015. Collection method: clinical testing. Allele origin: germline. Affected: yes.
Comment: The variant is not observed in the gnomAD v4.1.0 dataset. Predicted Consequence/Location: Intron variant In silico tools predict the variant to alter splicing and produce an abnormal transcript [SpliceAI: 0.38 (>=0.2, moderate evidence for spliceogenicity)]. Therefore, this variant is classified as VUS according to the recommendation of ACMG/AMP guideline.